The following is an entry in ClinVar:

NM_032043.3(BRIP1):c.3245C>G (p.Thr1082Ser)

Gene: BRIP1 (BRCA1 interacting DNA helicase 1; minus strand). Cytogenetic location: 17q23.2.
Variant type: single nucleotide variant.
Coding change: c.3245C>G on transcript NM_032043.3 (MANE Select); coding-DNA position 3245, C replaced by G.
Protein change: p.Thr1082Ser; replaces threonine 1082 with serine.
Molecular consequence: missense variant.
Genome position (GRCh38, 1-based): chr17:61,683,801, G>C on the plus strand (C>G on the coding strand, the complement: BRIP1 is on the minus strand). VCF-style: chr17-61683801-G-C. GRCh37 (hg19) VCF-style: chr17-59761162-G-C.
Other names: short protein forms T1082S.
Identifiers: ClinVar variation 823289 (VCV000823289.11), dbSNP rs1603275338, ClinGen allele CA400479144.
Genomic context (GRCh38, chr17:61,683,801, plus strand): 5'-TCTGGATCCAGGGCTTCTTCAGAACAGAGCGGATGTTCAGAATGATTTTTTCTAGTAAGG[G>C]TGGCATCAATCTTTAATGATGAAATAATGGTTTCTGATTGAGGGCATGATCCAAACGATG-3'
Protein context (NP_114432.2, residues 1072-1092): TIISSLKIDA[Thr1082Ser]LTRKNHSEHP

ClinVar aggregate classification (germline): Conflicting classifications of pathogenicity. Review status: criteria provided, conflicting classifications (1 of 4 stars). 3 submissions from 3 submitters: Uncertain significance (2); Likely benign (1). Last evaluated 2025-04-10.

Conditions:
Familial cancer of breast. Also called: Hereditary breast cancer; hereditary breast carcinoma; BREAST CANCER, FAMILIAL. Identifiers: Orphanet 227535, MedGen C0346153, MONDO:0016419, OMIM 114480. Disease mechanism: loss of function.
Fanconi anemia complementation group J. Also called: BRIP1-Related Fanconi Anemia. Identifiers: Orphanet 84, MedGen C1836860, MONDO:0012187, OMIM 609054.
Hereditary cancer-predisposing syndrome. Also called: Hereditary Cancer Syndrome; Neoplastic Syndromes, Hereditary; Hereditary neoplastic syndrome; Tumor predisposition. Identifiers: Orphanet 140162, MedGen C0027672, MeSH D009386, MONDO:0015356.

Submissions (3):

Ambry Genetics
Classification: Likely benign for Hereditary cancer-predisposing syndrome. Last evaluated: 2025-04-10. Review status: criteria provided, single submitter. Criteria: Ambry Variant Classification Scheme 2023. Collection method: clinical testing. Allele origin: germline.

Labcorp Genetics (formerly Invitae), Labcorp
Classification: Uncertain significance for Familial cancer of breast; Fanconi anemia complementation group J. Last evaluated: 2025-03-09. Review status: criteria provided, single submitter. Criteria: Invitae Variant Classification Sherloc (09022015). Collection method: clinical testing. Allele origin: germline.
Comment: This sequence change replaces threonine, which is neutral and polar, with serine, which is neutral and polar, at codon 1082 of the BRIP1 protein (p.Thr1082Ser). This variant is not present in population databases (gnomAD no frequency). This variant has not been reported in the literature in individuals affected with BRIP1-related conditions. ClinVar contains an entry for this variant (Variation ID: 823289). Invitae Evidence Modeling of protein sequence and biophysical properties (such as structural, functional, and spatial information, amino acid conservation, physicochemical variation, residue mobility, and thermodynamic stability) indicates that this missense variant is not expected to disrupt BRIP1 protein function with a negative predictive value of 95%. In summary, the available evidence is currently insufficient to determine the role of this variant in disease. Therefore, it has been classified as a Variant of Uncertain Significance.

Baylor Genetics
Classification: Uncertain significance for Familial cancer of breast. Last evaluated: 2024-01-09. Review status: criteria provided, single submitter. Criteria: ACMG Guidelines, 2015. Collection method: clinical testing. Allele origin: unknown.